The following is an entry in ClinVar:

ClinVar aggregate classification (germline): Benign. Review status: criteria provided, multiple submitters, no conflicts (2 of 4 stars). 8 submissions from 7 submitters: Benign (8). Last evaluated 2024-11-27.

Conditions:
Autosomal recessive nonsyndromic hearing loss 23. Identifiers: Orphanet 90636, MedGen C1836027, MONDO:0012293, OMIM 609533.
Usher syndrome type 1F (USH1F). Also called: USHER SYNDROME, TYPE IF. Identifiers: Orphanet 231169, Orphanet 886, MedGen C1865885, MONDO:0011186, OMIM 602083.

Allele frequency attached by ClinVar (database versions not stated): ESP Exome Variant Server 0.14864; gnomAD 0.17427 and 0.18629; TOPMed 0.19408; gnomAD exomes 0.19702 and 0.25393; ExAC 0.24887; 1000 Genomes Project 30x 0.29029; 1000 Genomes Project 0.29812.
gnomAD v4.1: 316,886 of 1,613,746 alleles (20%); highest among the groups gnomAD compares: East Asian, 74%; 40,912 homozygotes.

Submissions (8):

Blueprint Genetics
Classification: Benign. Last evaluated: 2024-11-27. Review status: criteria provided, single submitter. Criteria: ACMG Guidelines, 2015. Collection method: clinical testing. Allele origin: germline.

Labcorp Genetics (formerly Invitae), Labcorp
Classification: Benign. Last evaluated: 2023-12-13. Review status: criteria provided, single submitter. Criteria: Invitae Variant Classification Sherloc (09022015). Collection method: clinical testing. Allele origin: germline.

Genome-Nilou Lab
Classification: Benign for Autosomal recessive nonsyndromic hearing loss 23. Last evaluated: 2021-09-05. Review status: criteria provided, single submitter. Criteria: ACMG Guidelines, 2015. Collection method: clinical testing. Allele origin: germline. Affected: no.

Genome-Nilou Lab
Classification: Benign for Usher syndrome type 1F. Last evaluated: 2021-07-01. Review status: criteria provided, single submitter. Criteria: ACMG Guidelines, 2015. Collection method: clinical testing. Allele origin: germline. Affected: no.

Eurofins Ntd Llc (ga)
Classification: Benign. Last evaluated: 2017-02-21. Review status: criteria provided, single submitter. Criteria: EGL Classification Definitions 2015. Collection method: clinical testing. Allele origin: germline. Observed: 1 variant allele, 1 heterozygote.

GeneDx
Classification: Benign. Last evaluated: 2015-03-03. Review status: criteria provided, single submitter. Criteria: GeneDx Variant Classification Process June 2021. Collection method: clinical testing. Allele origin: germline. Affected: yes.

Laboratory for Molecular Medicine, Mass General Brigham Personalized Medicine
Classification: Benign. Last evaluated: 2012-05-07. Review status: criteria provided, single submitter. Criteria: LMM Criteria. Collection method: clinical testing. Allele origin: germline. Observed: 622 variant alleles.
Comment: Glu1618Ala in Exon 36 of PCDH15: This variant is not expected to have clinical s ignificance because it has been identified in 16.2% (884/5446) of European Ameri can chromosomes from a broad population by the NHLBI Exome Sequencing Project (dbSNP rs11003863).

Breakthrough Genomics
Classification: Benign. Review status: criteria provided, single submitter. Criteria: ACMG Guidelines, 2015. Collection method: not provided. Allele origin: germline. Inheritance: Autosomal recessive inheritance. Affected: yes.

NM_001384140.1(PCDH15):c.4671+1344A>C

Gene: PCDH15 (protocadherin related 15; minus strand). Cytogenetic location: 10q21.1.
Variant type: single nucleotide variant.
Coding change: c.4671+1344A>C on transcript NM_001384140.1 (MANE Select); 1344 bases into the intron after coding-DNA position 4671, A replaced by C.
Molecular consequence: intron variant. On other transcripts: missense variant (2), 3 prime UTR variant (1).
Genome position (GRCh38, 1-based): chr10:53,809,212, T>G on the plus strand (A>C on the coding strand, the complement: PCDH15 is on the minus strand). VCF-style: chr10-53809212-T-G. GRCh37 (hg19) VCF-style: chr10-55568972-T-G.
Other names: c.4853A>C, p.Glu1618Ala (NM_001142769.4); c.*268A>C (NM_001142770.3); c.4832A>C, p.Glu1611Ala (NM_001354411.2); c.4476+1344A>C (NM_001354420.2); c.4605+1344A>C (NM_001354429.2); c.4482+1344A>C (NM_001142772.2); c.4497+1344A>C (NM_001142771.2); short protein forms E1618A, E1611A.
Identifiers: ClinVar variation 44035 (VCV000044035.21), dbSNP rs11003863, ClinGen allele CA133436.
Genomic context (GRCh38, chr10:53,809,212, plus strand): 5'-TCAGAGGGTGTCTCTGACTCAGATTCCTCTTCTGTAGTCTCAGACTCACTGAACTCAGAC[T>G]CTTCTTCACTGTATTCAGTATAGTCGCTGGAGGATTCCTCCTCTGATTCTACAGTGCTTT-3'